The following is an entry in ClinVar:

ClinVar aggregate classification (germline): Uncertain significance (1 of 4 stars; one submission).

Conditions:
Hereditary pheochromocytoma and paraganglioma. Also called: Hereditary pheochromocytoma-paraganglioma; Hereditary Paraganglioma-Pheochromocytoma Syndromes; Hereditary paragangliomas and pheochromocytomas. Identifiers: Orphanet 29072, MedGen C4274332, MONDO:0017366.

Submission:

All of Us Research Program, National Institutes of Health
Classification: Uncertain significance for Hereditary pheochromocytoma and paraganglioma. Last evaluated: 2023-05-04. Review status: criteria provided, single submitter. Criteria: ACMG Guidelines, 2015. Collection method: clinical testing. Allele origin: germline. Inheritance: Autosomal dominant inheritance. Observed: 1 variant allele, 1 heterozygote.
Comment: This variant causes a G to C nucleotide substitution at the +6 position of intron 2 of the SDHAF2 gene. Splice site prediction tools suggest that this variant may not impact RNA splicing. To our knowledge, functional studies have not been reported for this variant. This variant has not been reported in individuals affected with hereditary paranganglioma-pheochromocytoma syndrome in the literature. This variant has not been identified in the general population by the Genome Aggregation Database (gnomAD). The available evidence is insufficient to determine the role of this variant in disease conclusively. Therefore, this variant is classified as a Variant of Uncertain Significance.

This study involves interpretation of variants in research participants for the purpose of population health screening. Participant phenotype was not available at the time of variant classification. Additional details can be found in publication PMID: 35346344, PMCID: PMC8962531

NM_017841.4(SDHAF2):c.260+6G>C

Gene: SDHAF2 (succinate dehydrogenase complex assembly factor 2; plus strand). Cytogenetic location: 11q12.2.
Variant type: single nucleotide variant.
Coding change: c.260+6G>C on transcript NM_017841.4 (MANE Select); 6 bases into the intron after coding-DNA position 260, G replaced by C.
Molecular consequence: intron variant.
Genome position (GRCh38, 1-based): chr11:61,437,854, G>C. VCF-style: chr11-61437854-G-C. GRCh37 (hg19) VCF-style: chr11-61205326-G-C.
Identifiers: ClinVar variation 3070654 (VCV003070654.1), dbSNP rs2134892567, ClinGen allele CA2825002021.
Genomic context (GRCh38, chr11:61,437,854, plus strand): 5'-GCCTGCTCTATGAGAGCAGAAAGAGGGGAATGTTGGAAAACTGCATTCTTCTTAGGTATG[G>C]GACTAGGAGTCTTTTTTTTTAAATCGGGCAGCTTCCTGAGCCAGAGTAGGTTCAGAGAGA-3'